The following is an entry in ClinVar:

ClinVar aggregate classification (germline): Uncertain significance. Review status: criteria provided, multiple submitters, no conflicts (2 of 4 stars). 2 submissions from 2 submitters: Uncertain significance (2). Last evaluated 2024-09-08.

Conditions:
Dyskeratosis congenita, autosomal dominant 2. Identifiers: MedGen C3151443, MONDO:0013521, OMIM 613989.
Idiopathic Pulmonary Fibrosis. Also called: Idiopathic fibrosing alveolitis, chronic form; idiopathic fibrosing alveolitis. Identifiers: Orphanet 2032, MedGen C1800706, MeSH D054990, MONDO:0800504.
Dyskeratosis congenita. Identifiers: Orphanet 1775, MedGen C0265965, MONDO:0015780.

Allele frequency attached by ClinVar (database versions not stated): ExAC 0.00002; 1000 Genomes Project 30x 0.00016; gnomAD exomes below 0.00001; gnomAD 0.00001.
gnomAD v4.1: 5 of 1,582,232 alleles (0.00032%); highest among the groups gnomAD compares: African/African-American, 0.0013%; no homozygotes.

Submissions (2):

Ambry Genetics
Classification: Uncertain significance for Dyskeratosis congenita. Last evaluated: 2024-09-08. Review status: criteria provided, single submitter. Criteria: Ambry Variant Classification Scheme 2023. Collection method: clinical testing. Allele origin: germline.
Comment: The p.P238S variant (also known as c.712C>T), located in coding exon 2 of the TERT gene, results from a C to T substitution at nucleotide position 712. The proline at codon 238 is replaced by serine, an amino acid with similar properties. This amino acid position is conserved. In addition, this alteration is predicted to be tolerated by in silico analysis. Based on the available evidence, the clinical significance of this variant remains unclear.

Labcorp Genetics (formerly Invitae), Labcorp
Classification: Uncertain significance for Dyskeratosis congenita, autosomal dominant 2; Idiopathic Pulmonary Fibrosis. Last evaluated: 2022-08-16. Review status: criteria provided, single submitter. Criteria: Invitae Variant Classification Sherloc (09022015). Collection method: clinical testing. Allele origin: germline.
Comment: In summary, the available evidence is currently insufficient to determine the role of this variant in disease. Therefore, it has been classified as a Variant of Uncertain Significance. Advanced modeling of protein sequence and biophysical properties (such as structural, functional, and spatial information, amino acid conservation, physicochemical variation, residue mobility, and thermodynamic stability) performed at Invitae indicates that this missense variant is not expected to disrupt TERT protein function. ClinVar contains an entry for this variant (Variation ID: 969137). This variant has not been reported in the literature in individuals affected with TERT-related conditions. This variant is not present in population databases (gnomAD no frequency). This sequence change replaces proline, which is neutral and non-polar, with serine, which is neutral and polar, at codon 238 of the TERT protein (p.Pro238Ser).

NM_198253.3(TERT):c.712C>T (p.Pro238Ser)

Gene: TERT (telomerase reverse transcriptase; minus strand). Cytogenetic location: 5p15.33.
Variant type: single nucleotide variant.
Coding change: c.712C>T on transcript NM_198253.3 (MANE Select); coding-DNA position 712, C replaced by T.
Protein change: p.Pro238Ser; replaces proline 238 with serine.
Molecular consequence: missense variant. On other transcripts: non-coding transcript variant (2).
Genome position (GRCh38, 1-based): chr5:1,294,174, G>A on the plus strand (C>T on the coding strand, the complement: TERT is on the minus strand). VCF-style: chr5-1294174-G-A. GRCh37 (hg19) VCF-style: chr5-1294289-G-A.
Other names: c.712C>T, p.Pro238Ser (NM_001193376.3); short protein forms P238S.
Identifiers: ClinVar variation 969137 (VCV000969137.11), dbSNP rs149427814, ClinGen allele CA3184928.